The following is an entry in ClinVar:

NM_004961.4(GABRE):c.1415G>A (p.Arg472His)

Gene: GABRE (gamma-aminobutyric acid type A receptor subunit epsilon; minus strand). Cytogenetic location: Xq28.
Variant type: single nucleotide variant.
Coding change: c.1415G>A on transcript NM_004961.4 (MANE Select); coding-DNA position 1415, G replaced by A.
Protein change: p.Arg472His; replaces arginine 472 with histidine.
Molecular consequence: missense variant.
Genome position (GRCh38, 1-based): chrX:151,954,807, C>T on the plus strand (G>A on the coding strand, the complement: GABRE is on the minus strand). VCF-style: chrX-151954807-C-T. GRCh37 (hg19) VCF-style: chrX-151123279-C-T.
Other names: short protein forms R472H.
Identifiers: ClinVar variation 3043062 (VCV003043062.2), dbSNP rs80186670, ClinGen allele CA10542327.

ClinVar aggregate classification (germline): Likely benign (0 of 4 stars; one submission).

Conditions:
GABRE-related disorder. Also called: GABRE-related condition.

Allele frequency attached by ClinVar (database versions not stated): 1000 Genomes Project 30x 0.00042; 1000 Genomes Project 0.00053; TOPMed 0.00120; gnomAD 0.00142; ESP Exome Variant Server 0.00161; ExAC 0.00186; gnomAD exomes 0.00285.
gnomAD v4.1: 3,287 of 1,210,161 alleles (0.27%); highest among the groups gnomAD compares: Non-Finnish European, 0.32%; 9 homozygotes.

Submission:

PreventionGenetics, part of Exact Sciences
Classification: Likely benign for GABRE-related condition. Last evaluated: 2021-11-26. Review status: no assertion criteria provided. Collection method: clinical testing. Allele origin: germline.
Comment: This variant is classified as likely benign based on ACMG/AMP sequence variant interpretation guidelines (Richards et al. 2015 PMID: 25741868, with internal and published modifications).